The following is an entry in ClinVar:

NM_014363.6(SACS):c.7250_7254del (p.Thr2417fs)

Gene: SACS (sacsin molecular chaperone; minus strand). Cytogenetic location: 13q12.12.
Variant type: Deletion.
Coding change: c.7250_7254del on transcript NM_014363.6 (MANE Select); coding-DNA positions 7250 to 7254, 5 bases deleted (CAGAA; older notation c.7250_7254delCAGAA).
Protein change: p.Thr2417fs; shifts the reading frame from threonine 2417.
Molecular consequence: frameshift variant.
Genome position (GRCh38, 1-based): chr13:23,336,622-23,336,626, TTCTG deleted on the plus strand (CAGAA on the coding strand, the reverse complement: SACS is on the minus strand); deleting any 5 consecutive bases within chr13:23,336,622-23,336,628 gives the same sequence; the c. name uses the placement nearest the transcript's 3' end. VCF-style (leftmost placement, unchanged base first): chr13-23336621-CTTCTG-C. GRCh37 (hg19) VCF-style: chr13-23910760-CTTCTG-C.
Other names: c.6809_6813del, p.Thr2270fs (NM_001278055.2); short protein forms T2417fs, T2270fs.
Identifiers: ClinVar variation 847067 (VCV000847067.7), dbSNP rs1868628768, ClinGen allele CA916083347.

ClinVar aggregate classification (germline): Pathogenic (1 of 4 stars; one submission).

Conditions:
Spastic paraplegia. Identifiers: MedGen C0037772, HP:0001258.

Submission:

Labcorp Genetics (formerly Invitae), Labcorp
Classification: Pathogenic for Spastic paraplegia. Last evaluated: 2021-08-03. Review status: criteria provided, single submitter. Criteria: Invitae Variant Classification Sherloc (09022015). Collection method: clinical testing. Allele origin: germline.
Comment: For these reasons, this variant has been classified as Pathogenic. This variant disrupts a region of the SACS protein in which other variant(s) (p.Gln4054*) have been determined to be pathogenic (PMID: 18465152, 27288452; Invitae). This suggests that this is a clinically significant region of the protein, and that variants that disrupt it are likely to be disease-causing. ClinVar contains an entry for this variant (Variation ID: 847067). This premature translational stop signal has been observed in individual(s) with clinical features of hereditary spastic paraplegia (PMID: 14718707). This variant is not present in population databases (ExAC no frequency). This sequence change creates a premature translational stop signal (p.Thr2417Argfs*12) in the SACS gene. While this is not anticipated to result in nonsense mediated decay, it is expected to disrupt the last 2163 amino acid(s) of the SACS protein.

Literature cited by the submitters: PubMed 18465152; PubMed 27288452; PubMed 14718707.